The following is an entry in ClinVar:

ClinVar aggregate classification (germline): Uncertain significance (1 of 4 stars; one submission).

Submission:

CeGaT Center for Human Genetics Tuebingen
Classification: Uncertain significance. Last evaluated: 2026-03-01. Review status: criteria provided, single submitter. Criteria: CeGaT Center For Human Genetics Tuebingen Variant Classification Criteria Version 2. Collection method: clinical testing. Allele origin: germline. Affected: yes. Observed: 1 variant allele.
Comment: POLD1: PM2

NM_002691.4(POLD1):c.1776-28C>T

Gene: POLD1 (DNA polymerase delta 1, catalytic subunit; plus strand). Cytogenetic location: 19q13.33.
Variant type: single nucleotide variant.
Coding change: c.1776-28C>T on transcript NM_002691.4 (MANE Select); 28 bases into the intron before coding-DNA position 1776, C replaced by T.
Molecular consequence: intron variant. On other transcripts: missense variant (1).
Genome position (GRCh38, 1-based): chr19:50,408,757, C>T. VCF-style: chr19-50408757-C-T. GRCh37 (hg19) VCF-style: chr19-50912014-C-T.
Other names: c.1826C>T, p.Thr609Ile (NM_001308632.1); c.1776-28C>T (NM_001256849.1, NM_001438212.1, NM_001438213.1 and 2 more transcripts); short protein forms T609I.
Identifiers: ClinVar variation 4823821 (VCV004823821.4).
Genomic context (GRCh38, chr19:50,408,757, plus strand): 5'-TTTTTTAAAGGGTGAGGCCACAAGACAGGGCGGGGGCGGCATGGGAACTCCTAGCCCTGA[C>T]TCCCGGCCGCGGCTGCTCCCCTCCCAGGTACTACGACGTCCCCATCGCCACCCTGGACTT-3'